The following is an entry in ClinVar:

NM_014795.4(ZEB2):c.-9C>T

Gene: ZEB2 (zinc finger E-box binding homeobox 2; minus strand). Cytogenetic location: 2q22.3.
Variant type: single nucleotide variant.
Coding change: c.-9C>T on transcript NM_014795.4 (MANE Select); 9 bases upstream of the start codon, C replaced by T.
Molecular consequence: 5 prime UTR variant. On other transcripts: non-coding transcript variant (1).
Genome position (GRCh38, 1-based): chr2:144,517,359, G>A on the plus strand (C>T on the coding strand, the complement: ZEB2 is on the minus strand). VCF-style: chr2-144517359-G-A. GRCh37 (hg19) VCF-style: chr2-145274926-G-A.
Other names: c.-9C>T (NM_001171653.2).
Identifiers: ClinVar variation 181721 (VCV000181721.3), dbSNP rs730881183, ClinGen allele CA297577.

ClinVar aggregate classification (germline): Uncertain significance. Review status: criteria provided, multiple submitters, no conflicts (2 of 4 stars). 2 submissions from 2 submitters: Uncertain significance (2). Last evaluated 2021-05-07.

Conditions:
Mowat-Wilson syndrome (MOWS). Also called: Classic Mowat-Wilson Syndrome. Identifiers: Orphanet 2152, MedGen C1856113, MONDO:0009341, OMIM 235730.

Allele frequency attached by ClinVar (database versions not stated): ExAC 0.00001; gnomAD exomes 0.00001; gnomAD 0.00005; TOPMed 0.00009.
gnomAD v4.1: 13 of 1,613,574 alleles (0.00081%); highest among the groups gnomAD compares: Admixed American, 0.02%; no homozygotes.

Submissions (2):

New York Genome Center
Classification: Uncertain significance for Mowat-Wilson syndrome. Last evaluated: 2021-05-07. Review status: criteria provided, single submitter. Criteria: NYGC Assertion Criteria 2020. Collection method: clinical testing. Allele origin: inherited. Observed: 1 heterozygote. Study: CSER-NYCKidSeq.

GeneDx
Classification: Uncertain significance. Last evaluated: 2017-02-10. Review status: criteria provided, single submitter. Criteria: GeneDx Variant Classification (06012015). Collection method: clinical testing. Allele origin: germline. Affected: yes.
Comment: A variant of uncertain significance has been identified in the 5' untranslated region of the ZEB2 gene. The c.-9 C>T variant has not been published as a pathogenic variant, nor has it been reported as a benign variant to our knowledge. The c.-9 C>T variant is not observed at a significant frequency in large population cohorts (Lek et al., 2016; 1000 Genomes Consortium et al., 2015; Exome Variant Server). Multiple in-silico splice prediction models predict that c.-9 C>T will not alter gene splicing. However, in the absence of RNA/functional studies, the actual effect of this sequence change in this individual is unknown. Therefore, based on the currently available information, it is unclear whether this variant is a pathogenic variant or a rare benign variant.